The following is an entry in ClinVar:

NM_024529.5(CDC73):c.189A>G (p.Leu63=)

Gene: CDC73 (cell division cycle 73; plus strand). Cytogenetic location: 1q31.2.
Variant type: single nucleotide variant.
Coding change: c.189A>G on transcript NM_024529.5 (MANE Select); coding-DNA position 189, A replaced by G.
Protein change: p.Leu63=; no amino-acid change (leucine 63 retained).
Molecular consequence: synonymous variant.
Genome position (GRCh38, 1-based): chr1:193,125,169, A>G. VCF-style: chr1-193125169-A-G. GRCh37 (hg19) VCF-style: chr1-193094299-A-G.
Identifiers: ClinVar variation 1138681 (VCV001138681.19), dbSNP rs1675542629, ClinGen allele CA422350127.

ClinVar aggregate classification (germline): Likely benign. Review status: criteria provided, multiple submitters, no conflicts (2 of 4 stars). 3 submissions from 3 submitters: Likely benign (3). Last evaluated 2025-06-01.

Conditions:
Hereditary cancer-predisposing syndrome. Also called: Tumor predisposition; Hereditary neoplastic syndrome; Hereditary Cancer Syndrome; Neoplastic Syndromes, Hereditary. Identifiers: Orphanet 140162, MedGen C0027672, MeSH D009386, MONDO:0015356.
Parathyroid carcinoma (PRTC). Also called: CDC73-Related Parathyroid Carcinoma; Parathyroid gland carcinoma. Identifiers: Orphanet 143, MedGen C0687150, MONDO:0012004, OMIM 608266, HP:0006780.

Allele frequency attached by ClinVar (database versions not stated): gnomAD exomes below 0.00001; TOPMed below 0.00001.
gnomAD v4.1: 2 of 1,611,172 alleles (0.00012%); highest among the groups gnomAD compares: Non-Finnish European, 0.00017%; no homozygotes.

Submissions (3):

CeGaT Center for Human Genetics Tuebingen
Classification: Likely benign. Last evaluated: 2025-06-01. Review status: criteria provided, single submitter. Criteria: CeGaT Center For Human Genetics Tuebingen Variant Classification Criteria Version 2. Collection method: clinical testing. Allele origin: germline. Affected: yes. Observed: 1 variant allele.
Comment: CDC73: BP4, BP7

Labcorp Genetics (formerly Invitae), Labcorp
Classification: Likely benign for Parathyroid carcinoma. Last evaluated: 2024-04-27. Review status: criteria provided, single submitter. Criteria: Invitae Variant Classification Sherloc (09022015). Collection method: clinical testing. Allele origin: germline.

Ambry Genetics
Classification: Likely benign for Hereditary cancer-predisposing syndrome. Last evaluated: 2019-06-26. Review status: criteria provided, single submitter. Criteria: Ambry Variant Classification Scheme 2023. Collection method: clinical testing. Allele origin: germline.